The following is an entry in ClinVar:

ClinVar aggregate classification (germline): Uncertain significance (1 of 4 stars; one submission).

Conditions:
Hereditary cancer-predisposing syndrome. Also called: Neoplastic Syndromes, Hereditary; Tumor predisposition; Hereditary neoplastic syndrome; Hereditary Cancer Syndrome. Identifiers: Orphanet 140162, MedGen C0027672, MeSH D009386, MONDO:0015356.

Submission:

Ambry Genetics
Classification: Uncertain significance for Hereditary cancer-predisposing syndrome. Last evaluated: 2026-07-19. Review status: criteria provided, single submitter. Criteria: Ambry Variant Classification Scheme 2023. Collection method: clinical testing. Allele origin: germline.
Comment: The p.N144I variant (also known as c.431A>T), located in coding exon 4 of the CDH1 gene, results from an A to T substitution at nucleotide position 431. The asparagine at codon 144 is replaced by isoleucine, an amino acid with dissimilar properties. This amino acid position is conserved. In addition, this alteration is predicted to be tolerated by in silico analysis. Based on the available evidence, the clinical significance of this variant remains unclear.

NM_004360.5(CDH1):c.431A>T (p.Asn144Ile)

Gene: CDH1 (cadherin 1; plus strand). Cytogenetic location: 16q22.1.
Variant type: single nucleotide variant.
Coding change: c.431A>T on transcript NM_004360.5 (MANE Select); coding-DNA position 431, A replaced by T.
Protein change: p.Asn144Ile; replaces asparagine 144 with isoleucine.
Molecular consequence: missense variant. On other transcripts: 5 prime UTR variant (2).
Genome position (GRCh38, 1-based): chr16:68,808,467, A>T. VCF-style: chr16-68808467-A-T. GRCh37 (hg19) VCF-style: chr16-68842370-A-T.
Other names: c.431A>T, p.Asn144Ile (NM_001317184.2); c.-1185A>T (NM_001317185.2); c.-1389A>T (NM_001317186.2); short protein forms N144I.
Identifiers: ClinVar variation 5034002 (VCV005034002.1).